The following is an entry in ClinVar:

NM_178857.6(RP1L1):c.487C>G (p.Arg163Gly)

Gene: RP1L1 (RP1 like 1). Cytogenetic location: 8p23.1.
Variant type: single nucleotide variant.
Coding change: c.487C>G on transcript NM_178857.6 (MANE Select); coding-DNA position 487, C replaced by G.
Protein change: p.Arg163Gly; replaces arginine 163 with glycine.
Molecular consequence: missense variant.
Genome position (GRCh38, 1-based): chr8:10,622,715, G>C on the plus strand (C>G on the coding strand, the complement: RP1L1 is on the minus strand). VCF-style: chr8-10622715-G-C. GRCh37 (hg19) VCF-style: chr8-10480225-G-C.
Other names: short protein forms R163G.
Identifiers: ClinVar variation 361408 (VCV000361408.60), dbSNP rs187140236, ClinGen allele CA4625676.
Genomic context (GRCh38, chr8:10,622,715, plus strand): 5'-CGAGAAAGGCGGCCAGGTTCCTAGTATTCCTGTGACTGAGAACCACTGTCTGCTGGAGGC[G>C]AGGGTCCATGTTCTTAATCAGCAGTATCCTCCGGGGGGTTTTAAGACTCTTCCGGGAGGA-3'
Protein context (NP_849188.4, residues 153-173): RILLIKNMDP[Arg163Gly]LQQTVVLSHR

ClinVar aggregate classification (germline): Conflicting classifications of pathogenicity. Review status: criteria provided, conflicting classifications (1 of 4 stars). 7 submissions from 7 submitters: Uncertain significance (4); Benign (1); Likely benign (2). Last evaluated 2026-01-11.

Conditions:
Occult macular dystrophy (OCMD). Also called: OMD; OCCULT MACULAR DYSTROPHY, SUSCEPTIBILITY TO. Identifiers: Orphanet 247834, MedGen C3150833, MONDO:0013316, OMIM 613587, HP:0030636.
RP1L1-related disorder. Also called: RP1L1-related condition.
Inborn genetic diseases. Identifiers: MedGen C0950123, MeSH D030342.

Allele frequency attached by ClinVar (database versions not stated): TOPMed 0.00019; 1000 Genomes Project 30x 0.00031; gnomAD 0.00041; ESP Exome Variant Server 0.00049.
gnomAD v4.1: 662 of 1,614,152 alleles (0.041%); highest among the groups gnomAD compares: Non-Finnish European, 0.053%; no homozygotes.

Submissions (7):

Labcorp Genetics (formerly Invitae), Labcorp
Classification: Likely benign. Last evaluated: 2026-01-11. Review status: criteria provided, single submitter. Criteria: Invitae Variant Classification Sherloc (09022015). Collection method: clinical testing. Allele origin: germline.

PreventionGenetics, part of Exact Sciences
Classification: Uncertain significance for RP1L1-related condition. Last evaluated: 2025-08-14. Review status: criteria provided, single submitter. Criteria: ACMG Guidelines, 2015. Collection method: clinical testing. Allele origin: germline.
Comment: The RP1L1 c.487C>G variant is predicted to result in the amino acid substitution p.Arg163Gly. To our knowledge, this variant has not been reported in the literature. This variant is reported in 0.093% of alleles in individuals of European (Non-Finnish) descent in gnomAD. Although we suspect that this variant may be benign, at this time, the clinical significance of this variant is uncertain due to the absence of conclusive functional and genetic evidence.

Ambry Genetics
Classification: Uncertain significance for Inborn genetic diseases. Last evaluated: 2025-06-22. Review status: criteria provided, single submitter. Criteria: Ambry Variant Classification Scheme 2023. Collection method: clinical testing. Allele origin: germline.

Blueprint Genetics
Classification: Likely benign. Last evaluated: 2024-08-27. Review status: criteria provided, single submitter. Criteria: ACMG Guidelines, 2015. Collection method: clinical testing. Allele origin: germline.

CeGaT Center for Human Genetics Tuebingen
Classification: Uncertain significance. Last evaluated: 2020-07-01. Review status: criteria provided, single submitter. Criteria: CeGaT Center For Human Genetics Tuebingen Variant Classification Criteria Version 2. Collection method: clinical testing. Allele origin: germline. Affected: yes. Observed: 2 variant alleles.

GeneDx
Classification: Uncertain significance. Last evaluated: 2019-11-02. Review status: criteria provided, single submitter. Criteria: GeneDx Variant Classification Process June 2021. Collection method: clinical testing. Allele origin: germline. Affected: yes.
Comment: In silico analysis, which includes protein predictors and evolutionary conservation, supports a deleterious effect; Has not been previously published as pathogenic or benign to our knowledge

Illumina Laboratory Services, Illumina
Classification: Benign for Occult macular dystrophy. Last evaluated: 2018-01-13. Review status: criteria provided, single submitter. Criteria: ICSL Variant Classification Criteria 13 December 2019. Collection method: clinical testing. Allele origin: germline.
Comment: This variant was observed in the ICSL laboratory as part of a predisposition screen in an ostensibly healthy population. It had not been previously curated by ICSL or reported in the Human Gene Mutation Database (HGMD: prior to June 1st, 2018), and was therefore a candidate for classification through an automated scoring system. Utilizing variant allele frequency, disease prevalence and penetrance estimates, and inheritance mode, an automated score was calculated to assess if this variant is too frequent to cause the disease. Based on the score and internal cut-off values, a variant classified as benign is not then subjected to further curation. The score for this variant resulted in a classification of benign for this disease.